The following is an entry in ClinVar:

NM_206965.2(FTCD):c.661G>A (p.Gly221Ser)

Gene: FTCD (formimidoyltransferase cyclodeaminase; minus strand). Cytogenetic location: 21q22.3.
Variant type: single nucleotide variant.
Coding change: c.661G>A on transcript NM_206965.2 (MANE Select); coding-DNA position 661, G replaced by A.
Protein change: p.Gly221Ser; replaces glycine 221 with serine.
Molecular consequence: missense variant.
Genome position (GRCh38, 1-based): chr21:46,150,501, C>T on the plus strand (G>A on the coding strand, the complement: FTCD is on the minus strand). VCF-style: chr21-46150501-C-T. GRCh37 (hg19) VCF-style: chr21-47570415-C-T.
Other names: c.661G>A, p.Gly221Ser (NM_001320412.2, NM_006657.3); short protein forms G221S.
Identifiers: ClinVar variation 1908733 (VCV001908733.5), dbSNP rs755377351, ClinGen allele CA10073771.
Genomic context (GRCh38, chr21:46,150,501, plus strand): 5'-AGTCCAGAAGATTGGTGGACACCTGAGCCAGGTTCTTCTCATCCAGGTACCAGCCAATGC[C>T]CTGAACTTTCTTCAGACGTCCTGGCTGCAAAGGAAGAGCGTTCCCCAGCCTGGACTAGGA-3'
Protein context (NP_996848.1, residues 211-231): DQPGRLKKVQ[Gly221Ser]IGWYLDEKNL

ClinVar aggregate classification (germline): Uncertain significance (1 of 4 stars; one submission).

Conditions:
Glutamate formiminotransferase deficiency. Also called: Formiminoglutamic aciduria; Arakawa syndrome 1. Identifiers: Orphanet 51208, MedGen C0268609, MONDO:0009240, OMIM 229100.

Allele frequency attached by ClinVar (database versions not stated): gnomAD exomes below 0.00001; ExAC 0.00001; gnomAD 0.00001.
gnomAD v4.1: 5 of 1,613,296 alleles (0.00031%); highest among the groups gnomAD compares: African/African-American, 0.0027%; no homozygotes.

Submission:

Labcorp Genetics (formerly Invitae), Labcorp
Classification: Uncertain significance for Glutamate formiminotransferase deficiency. Last evaluated: 2022-03-23. Review status: criteria provided, single submitter. Criteria: Invitae Variant Classification Sherloc (09022015). Collection method: clinical testing. Allele origin: germline.
Comment: In summary, the available evidence is currently insufficient to determine the role of this variant in disease. Therefore, it has been classified as a Variant of Uncertain Significance. Algorithms developed to predict the effect of missense changes on protein structure and function are either unavailable or do not agree on the potential impact of this missense change (SIFT: "Deleterious"; PolyPhen-2: "Probably Damaging"; Align-GVGD: "Class C0"). This variant has not been reported in the literature in individuals affected with FTCD-related conditions. This variant is present in population databases (rs755377351, gnomAD 0.004%). This sequence change replaces glycine, which is neutral and non-polar, with serine, which is neutral and polar, at codon 221 of the FTCD protein (p.Gly221Ser).